The following is an entry in ClinVar:

NM_000368.5(TSC1):c.2463G>C (p.Val821=)

Gene: TSC1 (TSC complex subunit 1; minus strand). Cytogenetic location: 9q34.13.
Variant type: single nucleotide variant.
Coding change: c.2463G>C on transcript NM_000368.5 (MANE Select); coding-DNA position 2463, G replaced by C.
Protein change: p.Val821=; no amino-acid change (valine 821 retained).
Molecular consequence: synonymous variant.
Genome position (GRCh38, 1-based): chr9:132,901,628, C>G on the plus strand (G>C on the coding strand, the complement: TSC1 is on the minus strand). VCF-style: chr9-132901628-C-G. GRCh37 (hg19) VCF-style: chr9-135777015-C-G.
Other names: c.2463G>C (NM_000368.4); c.2460G>C, p.Val820= (NM_001162426.2); c.2310G>C, p.Val770= (NM_001162427.2); c.2100G>C, p.Val700= (NM_001362177.2).
Identifiers: ClinVar variation 1135326 (VCV001135326.11), dbSNP rs764014190, ClinGen allele CA032733.

ClinVar aggregate classification (germline): Benign/Likely benign. Review status: criteria provided, multiple submitters, no conflicts (2 of 4 stars). 3 submissions from 3 submitters: Benign (1); Likely benign (2). Last evaluated 2025-11-13.

Conditions:
Hereditary cancer-predisposing syndrome. Also called: Neoplastic Syndromes, Hereditary; Hereditary neoplastic syndrome; Tumor predisposition; Hereditary Cancer Syndrome. Identifiers: Orphanet 140162, MedGen C0027672, MeSH D009386, MONDO:0015356.
Tuberous sclerosis 1 (TSC1). Identifiers: Orphanet 805, MedGen C1854465, MONDO:0008612, OMIM 191100.

Allele frequency attached by ClinVar (database versions not stated): ExAC 0.00001.
gnomAD v4.1: 3 of 1,614,162 alleles (0.00019%); highest among the groups gnomAD compares: Non-Finnish European, 0.00025%; no homozygotes.

Submissions (3):

Labcorp Genetics (formerly Invitae), Labcorp
Classification: Likely benign for Tuberous sclerosis 1. Last evaluated: 2025-11-13. Review status: criteria provided, single submitter. Criteria: Invitae Variant Classification Sherloc (09022015). Collection method: clinical testing. Allele origin: germline.

Myriad Genetics, Inc.
Classification: Benign for Tuberous sclerosis 1. Last evaluated: 2025-04-25. Review status: criteria provided, single submitter. Criteria: Myriad Autosomal Dominant, Autosomal Recessive and X-Linked Classification Criteria (2023). Collection method: clinical testing. Allele origin: unknown.
Comment: This variant is considered benign. This variant is a silent/synonymous amino acid change and it is not expected to impact splicing.

Ambry Genetics
Classification: Likely benign for Hereditary cancer-predisposing syndrome. Last evaluated: 2023-01-24. Review status: criteria provided, single submitter. Criteria: Ambry Variant Classification Scheme 2023. Collection method: clinical testing. Allele origin: germline.